The following is an entry in ClinVar:

ClinVar aggregate classification (germline): Uncertain significance (1 of 4 stars; one submission).

Conditions:
Hereditary cancer-predisposing syndrome. Also called: Neoplastic Syndromes, Hereditary; Hereditary neoplastic syndrome; Tumor predisposition; Hereditary Cancer Syndrome. Identifiers: Orphanet 140162, MedGen C0027672, MeSH D009386, MONDO:0015356.

Allele frequency attached by ClinVar (database versions not stated): gnomAD exomes below 0.00001; TOPMed below 0.00001.
gnomAD v4.1: 1 of 1,614,144 alleles (0.000062%); highest among the groups gnomAD compares: Non-Finnish European, 0.000085%; no homozygotes.

Submission:

Ambry Genetics
Classification: Uncertain significance for Hereditary cancer-predisposing syndrome. Last evaluated: 2025-10-06. Review status: criteria provided, single submitter. Criteria: Ambry Variant Classification Scheme 2023. Collection method: clinical testing. Allele origin: germline.
Comment: The p.Q1142R variant (also known as c.3425A>G), located in coding exon 28 of the POLE gene, results from an A to G substitution at nucleotide position 3425. The glutamine at codon 1142 is replaced by arginine, an amino acid with highly similar properties. This amino acid position is conserved. In addition, the in silico prediction for this alteration is inconclusive. Since supporting evidence is limited at this time, the clinical significance of this alteration remains unclear.

NM_006231.4(POLE):c.3425A>G (p.Gln1142Arg)

Gene: POLE (DNA polymerase epsilon, catalytic subunit; minus strand). Cytogenetic location: 12q24.33.
Variant type: single nucleotide variant.
Coding change: c.3425A>G on transcript NM_006231.4 (MANE Select); coding-DNA position 3425, A replaced by G.
Protein change: p.Gln1142Arg; replaces glutamine 1142 with arginine.
Molecular consequence: missense variant.
Genome position (GRCh38, 1-based): chr12:132,657,383, T>C on the plus strand (A>G on the coding strand, the complement: POLE is on the minus strand). VCF-style: chr12-132657383-T-C. GRCh37 (hg19) VCF-style: chr12-133233969-T-C.
Other names: short protein forms Q1142R.
Identifiers: ClinVar variation 2496838 (VCV002496838.3), dbSNP rs2042568592, ClinGen allele CA387389067.
Genomic context (GRCh38, chr12:132,657,383, plus strand): 5'-GCCCGTGCCACTGACCCCGCCCTTACCTGCTGCAGGGCCGCAGGGATGGTGATGATCTTC[T>C]GGATGGCGCTTCCCAGCCGCTCAATGTAGTAGTCCCAATCCAGAATCTGCATGTGCAGGA-3'
Protein context (NP_006222.2, residues 1132-1152): YYIERLGSAI[Gln1142Arg]KIITIPAALQ